The following is an entry in ClinVar:

NM_000093.5(COL5A1):c.1591G>T (p.Asp531Tyr)

Gene: COL5A1 (collagen type V alpha 1 chain; plus strand). Cytogenetic location: 9q34.3.
Variant type: single nucleotide variant.
Coding change: c.1591G>T on transcript NM_000093.5 (MANE Select); coding-DNA position 1591, G replaced by T.
Protein change: p.Asp531Tyr; replaces aspartic acid 531 with tyrosine.
Molecular consequence: missense variant.
Genome position (GRCh38, 1-based): chr9:134,750,811, G>T. VCF-style: chr9-134750811-G-T. GRCh37 (hg19) VCF-style: chr9-137642657-G-T.
Other names: c.1591G>T, p.Asp531Tyr (NM_001278074.1); short protein forms D531Y.
Identifiers: ClinVar variation 3676843 (VCV003676843.2).

ClinVar aggregate classification (germline): Uncertain significance (1 of 4 stars; one submission).

Conditions:
Ehlers-Danlos syndrome, classic type, 1 (EDSCL1). Also called: EHLERS-DANLOS SYNDROME, GRAVIS TYPE; EHLERS-DANLOS SYNDROME, SEVERE CLASSIC TYPE; Ehlers-Danlos syndrome, type 1; Ehlers-Danlos Syndrome, Classic Type, COL5A1-Related; EDS I. Identifiers: MedGen C0268335, MONDO:0019567, OMIM 130000.

Submission:

Labcorp Genetics (formerly Invitae), Labcorp
Classification: Uncertain significance for Ehlers-Danlos syndrome, classic type, 1. Last evaluated: 2024-12-24. Review status: criteria provided, single submitter. Criteria: Invitae Variant Classification Sherloc (09022015). Collection method: clinical testing. Allele origin: germline.
Comment: This sequence change replaces aspartic acid, which is acidic and polar, with tyrosine, which is neutral and polar, at codon 531 of the COL5A1 protein (p.Asp531Tyr). This variant is not present in population databases (gnomAD no frequency). This variant has not been reported in the literature in individuals affected with COL5A1-related conditions. Invitae Evidence Modeling of protein sequence and biophysical properties (such as structural, functional, and spatial information, amino acid conservation, physicochemical variation, residue mobility, and thermodynamic stability) indicates that this missense variant is not expected to disrupt COL5A1 protein function with a negative predictive value of 95%. In summary, the available evidence is currently insufficient to determine the role of this variant in disease. Therefore, it has been classified as a Variant of Uncertain Significance.